The following is an entry in ClinVar:

NM_002397.5(MEF2C):c.160C>T (p.Leu54=)

Gene: MEF2C (myocyte enhancer factor 2C; minus strand). Cytogenetic location: 5q14.3.
Variant type: single nucleotide variant.
Coding change: c.160C>T on transcript NM_002397.5 (MANE Select); coding-DNA position 160, C replaced by T.
Protein change: p.Leu54=; no amino-acid change (leucine 54 retained).
Molecular consequence: synonymous variant.
Genome position (GRCh38, 1-based): chr5:88,804,696, G>A on the plus strand (C>T on the coding strand, the complement: MEF2C is on the minus strand). VCF-style: chr5-88804696-G-A. GRCh37 (hg19) VCF-style: chr5-88100513-G-A.
Other names: c.160C>T, p.Leu54= (NM_001131005.2, NM_001193347.1, NM_001193348.1 and 29 more transcripts).
Identifiers: ClinVar variation 2442464 (VCV002442464.1), dbSNP rs1799652948, ClinGen allele CA445369438.
Genomic context (GRCh38, chr5:88,804,696, plus strand): 5'-CGTTGTACTCCGTGTACTTGAGAAGCACTTTGTCCATGTCGGTGCTGGCATACTGGAACA[G>A]CTTGTTGGTGCTGTTGAAGATGATCAGCGCAATCTCACAGTCACACAGCACGCTCAGCTC-3'
Protein context (NP_002388.2, residues 44-64): ALIIFNSTNK[Leu54=]FQYASTDMDK

ClinVar aggregate classification (germline): Uncertain significance (1 of 4 stars; one submission).

Submission:

GeneDx
Classification: Uncertain significance. Last evaluated: 2022-09-06. Review status: criteria provided, single submitter. Criteria: GeneDx Variant Classification Process June 2021. Collection method: clinical testing. Allele origin: germline. Affected: yes.
Comment: Not observed at significant frequency in large population cohorts (gnomAD); In silico analysis supports that this variant does not alter splicing; Has not been previously published as pathogenic or benign to our knowledge